The following is an entry in ClinVar:

NM_001080517.3(SETD5):c.327C>T (p.Cys109=)

Gene: SETD5 (SET domain containing 5; plus strand). Cytogenetic location: 3p25.3.
Variant type: single nucleotide variant.
Coding change: c.327C>T on transcript NM_001080517.3 (MANE Select); coding-DNA position 327, C replaced by T.
Protein change: p.Cys109=; no amino-acid change (cysteine 109 retained).
Molecular consequence: synonymous variant. On other transcripts: 5 prime UTR variant (2).
Genome position (GRCh38, 1-based): chr3:9,434,483, C>T. VCF-style: chr3-9434483-C-T. GRCh37 (hg19) VCF-style: chr3-9476167-C-T.
Other names: c.-7C>T (NM_001292043.2); c.-48C>T (NM_001349451.2).
Identifiers: ClinVar variation 2444736 (VCV002444736.4), dbSNP rs572286559, ClinGen allele CA2238909.
Genomic context (GRCh38, chr3:9,434,483, plus strand): 5'-ACCTACCTGGTGTCCTTGTGGTCTTTCTCAGGATGGCTTCCTTCTCAACTGTGACAAGTG[C>T]AGGTAAGATCCTGTTCCATCTAAATTTAAGTCTGGGTTGCTGGGATTAGGGTTTCTTACA-3'
Protein context (NP_001073986.1, residues 99-119): QDGFLLNCDK[Cys109=]RGMSRGKVIR

ClinVar aggregate classification (germline): Conflicting classifications of pathogenicity. Review status: criteria provided, conflicting classifications (1 of 4 stars). 2 submissions from 2 submitters: Uncertain significance (1); Likely benign (1). Last evaluated 2023-10-13.

Allele frequency attached by ClinVar (database versions not stated): gnomAD exomes 0.00001; ExAC 0.00004; gnomAD 0.00005; TOPMed 0.00008; 1000 Genomes Project 0.00040; 1000 Genomes Project 30x 0.00047.
gnomAD v4.1: 12 of 1,613,890 alleles (0.00074%); highest among the groups gnomAD compares: African/African-American, 0.016%; no homozygotes.

Submissions (2):

Labcorp Genetics (formerly Invitae), Labcorp
Classification: Likely benign. Last evaluated: 2023-10-13. Review status: criteria provided, single submitter. Criteria: Invitae Variant Classification Sherloc (09022015). Collection method: clinical testing. Allele origin: germline.

GeneDx
Classification: Uncertain significance. Last evaluated: 2022-09-15. Review status: criteria provided, single submitter. Criteria: GeneDx Variant Classification Process June 2021. Collection method: clinical testing. Allele origin: germline. Affected: yes.
Comment: In silico analysis supports a deleterious effect on splicing; Has not been previously published as pathogenic or benign to our knowledge